The following is an entry in ClinVar:

ClinVar aggregate classification (germline): Uncertain significance (1 of 4 stars; one submission).

Conditions:
Microcephaly with or without chorioretinopathy, lymphedema, or impaired intellectual development. Also called: MICROCEPHALY, LYMPHEDEMA, CHORIORETINAL DYSPLASIA SYNDROME; Microcephaly lymphedema chorioretinal dysplasia; MICROCEPHALY AND CHORIORETINOPATHY WITH OR WITHOUT MENTAL RETARDATION, AUTOSOMAL DOMINANT; Microcephaly with or without chorioretinopathy, lymphedema, or mental retardation; Microcephaly with or without chorioretinopathy, lymphedema, or intellectual disability. Identifiers: Orphanet 2526, MedGen C1835265, MONDO:0007918, OMIM 152950.

Submission:

Medical Genetics Clinic, University of Catania
Classification: Uncertain significance for Microcephaly with or without chorioretinopathy, lymphedema, or impaired intellectual development. Last evaluated: 2025-02-27. Review status: criteria provided, single submitter. Criteria: ACMG Guidelines, 2015. Collection method: clinical testing. Allele origin: de novo. Inheritance: Autosomal dominant inheritance. Affected: yes.
Comment: The variant c.2666A>T (p.Asp889Val) of the KIF11 gene is not currently reported in the literature and in dedicated databases. The variant c.2666A>T is located in a moderately conserved protein position (phyloP-Verterbate=2.78/6.42; phyloP-Primate=0.52/0.65; PhastCons=0.98/1.00). Bioinformatic analysis does not highlight the probability that this variant may be harmful for the activity and/or structure of the resulting protein (Polyphen2=0.013/1.00; SIFT=0.69/0.00; MutationTaster=0.994/1.00; CADD PHRED=14/20; MutationAssessor=0.00/5.00). In the absence of further information, the variant c.2666A>T (p. Asp889Val) in the KIF11 gene is considered to be a Variant of Uncertain Significance.

NM_004523.4(KIF11):c.2666A>T (p.Asp889Val)

Gene: KIF11 (kinesin family member 11; plus strand). Cytogenetic location: 10q23.33.
Variant type: single nucleotide variant.
Coding change: c.2666A>T on transcript NM_004523.4 (MANE Select); coding-DNA position 2666, A replaced by T.
Protein change: p.Asp889Val; replaces aspartic acid 889 with valine.
Molecular consequence: missense variant.
Genome position (GRCh38, 1-based): chr10:92,648,330, A>T. VCF-style: chr10-92648330-A-T. GRCh37 (hg19) VCF-style: chr10-94408087-A-T.
Other names: p.Asp889Val; short protein forms D889V.
Identifiers: ClinVar variation 3896755 (VCV003896755.1).